The following is an entry in ClinVar:

ClinVar aggregate classification (germline): Uncertain significance (0 of 4 stars; one submission).

Submission:

ISCA site 1
Classification: Uncertain significance. Last evaluated: 2018-02-16. Review status: no assertion criteria provided. Collection method: clinical testing. Allele origin: unknown. Affected: yes. Observed: 1 variant allele.
Comment: Only includes noncoding exons.

Copy number variation identified through the course of routine clinical cytogenomic testing in postnatal populations, with clinical assertions as classified by the original submitter. For data from the original published study, Kaminsky, et al. 2011 (PubMed 21844811), please see nstd101.

GRCh38/hg38 16q24.3(chr16:89339007-89534853)x1

Genes: ANKRD11 (ankyrin repeat domain containing 11; minus strand), SPG7 (SPG7 matrix AAA peptidase subunit, paraplegin; plus strand), LOC101927817 (uncharacterized LOC101927817; plus strand), LOC101927863 (uncharacterized LOC101927863; minus strand), LOC126862450 (BRD4-independent group 4 enhancer GRCh37_chr16:89427458-89428657; plus strand) and 22 more. Cytogenetic location: 16q24.3.
Variant type: copy number loss.
Change: copy number 1 (one copy instead of two) of chr16:89,339,007-89,534,853 (195.8 kb, GRCh38 coordinates, 1-based), cytogenetic band 16q24.3.
Identifiers: ClinVar variation 155623 (VCV000155623.3).